The following is an entry in ClinVar:

NM_000090.4(COL3A1):c.1724C>G (p.Pro575Arg)

Gene: COL3A1 (collagen type III alpha 1 chain; plus strand). Cytogenetic location: 2q32.2.
Variant type: single nucleotide variant.
Coding change: c.1724C>G on transcript NM_000090.4 (MANE Select); coding-DNA position 1724, C replaced by G.
Protein change: p.Pro575Arg; replaces proline 575 with arginine.
Molecular consequence: missense variant.
Genome position (GRCh38, 1-based): chr2:188,996,459, C>G. VCF-style: chr2-188996459-C-G. GRCh37 (hg19) VCF-style: chr2-189861185-C-G.
Other names: short protein forms P575R.
Identifiers: ClinVar variation 3634094 (VCV003634094.3).

ClinVar aggregate classification (germline): Uncertain significance. Review status: criteria provided, multiple submitters, no conflicts (2 of 4 stars). 2 submissions from 2 submitters: Uncertain significance (2). Last evaluated 2025-01-07.

Conditions:
Ehlers-Danlos syndrome, type 4 (EDSVASC). Also called: Ehlers-Danlos syndrome vascular type; Ehlers Danlos syndrome, ecchymotic type; Ehlers Danlos syndrome, arterial type; Ehlers Danlos syndrome, Sack-Barabas type; Ehlers-Danlos Syndrome Type IV. Identifiers: Orphanet 286, MedGen C0268338, MONDO:0017314, OMIM 130050.

Submissions (2):

GeneDx
Classification: Uncertain significance. Last evaluated: 2025-01-07. Review status: criteria provided, single submitter. Criteria: GeneDx Variant Classification Process June 2021. Collection method: clinical testing. Allele origin: germline. Affected: yes.
Comment: Not observed at significant frequency in large population cohorts (gnomAD); In silico analysis supports that this missense variant has a deleterious effect on protein structure/function; Has not been previously published as pathogenic or benign to our knowledge

Labcorp Genetics (formerly Invitae), Labcorp
Classification: Uncertain significance for Ehlers-Danlos syndrome, type 4. Last evaluated: 2024-12-09. Review status: criteria provided, single submitter. Criteria: Invitae Variant Classification Sherloc (09022015). Collection method: clinical testing. Allele origin: germline.
Comment: This sequence change replaces proline, which is neutral and non-polar, with arginine, which is basic and polar, at codon 575 of the COL3A1 protein (p.Pro575Arg). This variant is not present in population databases (gnomAD no frequency). This variant has not been reported in the literature in individuals affected with COL3A1-related conditions. Invitae Evidence Modeling of protein sequence and biophysical properties (such as structural, functional, and spatial information, amino acid conservation, physicochemical variation, residue mobility, and thermodynamic stability) has been performed for this missense variant. However, the output from this modeling did not meet the statistical confidence thresholds required to predict the impact of this variant on COL3A1 protein function. In summary, the available evidence is currently insufficient to determine the role of this variant in disease. Therefore, it has been classified as a Variant of Uncertain Significance.